The following is an entry in ClinVar:

NM_000868.4(HTR2C):c.717C>T (p.Tyr239=)

Genes: HTR2C (5-hydroxytryptamine receptor 2C; plus strand), LOC126863306 (MED14-independent group 3 enhancer GRCh37_chrX:114140926-114142125; plus strand). Cytogenetic location: Xq23.
Variant type: single nucleotide variant.
Coding change: c.717C>T on transcript NM_000868.4 (MANE Select); coding-DNA position 717, C replaced by T.
Protein change: p.Tyr239=; no amino-acid change (tyrosine 239 retained).
Molecular consequence: synonymous variant. On other transcripts: missense variant (1).
Genome position (GRCh38, 1-based): chrX:114,906,755, C>T. VCF-style: chrX-114906755-C-T. GRCh37 (hg19) VCF-style: chrX-114141318-C-T.
Other names: c.717C>T, p.Tyr239= (NM_001256760.3); c.622C>T, p.Arg208Cys (NM_001256761.3); short protein forms R208C.
Identifiers: ClinVar variation 4984548 (VCV004984548.1).
Genomic context (GRCh38, chrX:114,906,755, plus strand): 5'-CTTCGTAGCTTTCTTCATACCGCTGACGATTATGGTGATTACGTATTGCCTGACCATCTA[C>T]GTTCTGCGCCGACAAGCTTTGATGTTACTGCACGGCCACACCGAGGAACCGCCTGGACTA-3'
Protein context (NP_000859.2, residues 229-249): IMVITYCLTI[Tyr239=]VLRRQALMLL

ClinVar aggregate classification (germline): Uncertain significance (1 of 4 stars; one submission).

Conditions:
HTR2C-related disorder. Also called: HTR2C-related condition.

gnomAD v4.1: 1 of 1,211,070 alleles (0.000083%); highest among the groups gnomAD compares: Non-Finnish European, 0.00011%; no homozygotes.

Submission:

PreventionGenetics, part of Exact Sciences
Classification: Uncertain significance for HTR2C-related condition. Last evaluated: 2025-06-30. Review status: criteria provided, single submitter. Criteria: ACMG Guidelines, 2015. Collection method: clinical testing. Allele origin: germline.
Comment: The HTR2C c.622C>T variant is predicted to result in the amino acid substitution p.Arg208Cys. To our knowledge, this variant has not been reported in the literature or in a large population database (gnomAD), indicating this variant is rare. At this time, the clinical significance of this variant is uncertain due to the absence of conclusive functional and genetic evidence.